The following is an entry in ClinVar:

NM_032520.5(GNPTG):c.4_7dup (p.Ala3fs)

Genes: GNPTG (N-acetylglucosamine-1-phosphate transferase subunit gamma; plus strand), LOC130058158 (ATAC-STARR-seq lymphoblastoid silent region 6972; plus strand). Cytogenetic location: 16p13.3.
Variant type: Duplication.
Coding change: c.4_7dup on transcript NM_032520.5 (MANE Select); coding-DNA positions 4 to 7, 4 bases duplicated (GCGG; older notation c.4_7dupGCGG).
Protein change: p.Ala3fs; shifts the reading frame from alanine 3.
Molecular consequence: frameshift variant, initiator codon variant.
Genome position (GRCh38, 1-based): chr16:1,351,969-1,351,972, GCGG duplicated; duplicating any 4 consecutive bases within chr16:1,351,968-1,351,972 gives the same sequence; the c. name uses the placement nearest the transcript's 3' end. VCF-style (leftmost placement, unchanged base first): chr16-1351967-T-TGGCG. GRCh37 (hg19) VCF-style: chr16-1401968-T-TGGCG.
Other names: short protein forms A3fs.
Identifiers: ClinVar variation 2703201 (VCV002703201.3), dbSNP rs2548185457, ClinGen allele CA2697549619.

ClinVar aggregate classification (germline): Pathogenic (1 of 4 stars; one submission).

Submission:

Labcorp Genetics (formerly Invitae), Labcorp
Classification: Pathogenic. Last evaluated: 2023-12-14. Review status: criteria provided, single submitter. Criteria: Invitae Variant Classification Sherloc (09022015). Collection method: clinical testing. Allele origin: germline.
Comment: This sequence change creates a premature translational stop signal (p.Ala3Glyfs*81) in the GNPTG gene. It is expected to result in an absent or disrupted protein product. Loss-of-function variants in GNPTG are known to be pathogenic (PMID: 19370764, 20301784). This variant is not present in population databases (gnomAD no frequency). This variant has not been reported in the literature in individuals affected with GNPTG-related conditions. For these reasons, this variant has been classified as Pathogenic.

Literature cited by the submitters: PubMed 19370764; PubMed 20301784.